The following is an entry in ClinVar:

NM_001303.4(COX10):c.192G>A (p.Leu64=)

Gene: COX10 (cytochrome c oxidase assembly factor heme A:farnesyltransferase COX10; plus strand). Cytogenetic location: 17p12.
Variant type: single nucleotide variant.
Coding change: c.192G>A on transcript NM_001303.4 (MANE Select); coding-DNA position 192, G replaced by A.
Protein change: p.Leu64=; no amino-acid change (leucine 64 retained).
Molecular consequence: synonymous variant.
Genome position (GRCh38, 1-based): chr17:14,076,749, G>A. VCF-style: chr17-14076749-G-A. GRCh37 (hg19) VCF-style: chr17-13980066-G-A.
Identifiers: ClinVar variation 321813 (VCV000321813.11), dbSNP rs569444237, ClinGen allele CA8402269.
Genomic context (GRCh38, chr17:14,076,749, plus strand): 5'-GCATTTGGGGCCTTGGTTTTATAGTAATGTGTGCTTTTTTGTTTAGTATGTCACACAGCT[G>A]AACAGAAGCCACAACCAGCAAGTAAGACCCAAGCCAGAACCAGTAGCATCTCCTTTCCTT-3'
Protein context (NP_001294.2, residues 54-74): SFLKRMYVTQ[Leu64=]NRSHNQQVRP

ClinVar aggregate classification (germline): Conflicting classifications of pathogenicity. Review status: criteria provided, conflicting classifications (1 of 4 stars). 4 submissions from 3 submitters: Uncertain significance (3); Likely benign (1). Last evaluated 2026-06-04.

Conditions:
Mitochondrial complex IV deficiency, nuclear type 1 (MC4DN1). Also called: COX DEFICIENCY; Mitochondrial complex IV deficiency; Complex 4 mitochondrial respiratory chain deficiency; Deficiency of mitochondrial respiratory chain complex4; Complex IV deficiency. Identifiers: MedGen C5435656, MONDO:0700250, OMIM 220110. Disease mechanism: loss of function.
Leigh syndrome (NULS). Also called: Leigh's necrotizing encephalopathy; Leigh's disease; Leigh Syndrome (mtDNA deletion); Leigh's syndrome; LEIGH SYNDROME, NUCLEAR; Leigh Disease. Identifiers: Orphanet 506, MedGen C2931891, MONDO:0009723, OMIM 256000.

Allele frequency attached by ClinVar (database versions not stated): gnomAD exomes 0.00002 and 0.00008; ExAC 0.00009; 1000 Genomes Project 30x 0.00016; gnomAD 0.00019 and 0.00021; 1000 Genomes Project 0.00020; TOPMed 0.00022.
gnomAD v4.1: 53 of 1,614,118 alleles (0.0033%); highest among the groups gnomAD compares: African/African-American, 0.068%; no homozygotes.

Submissions (4):

GeneDx
Classification: Uncertain significance. Last evaluated: 2026-06-04. Review status: criteria provided, single submitter. Criteria: GeneDx Variant Classification Process June 2021. Collection method: clinical testing. Allele origin: germline.
Comment: In silico analysis suggests that this variant does not alter splicing; Has not been previously published as pathogenic or benign to our knowledge

Labcorp Genetics (formerly Invitae), Labcorp
Classification: Likely benign. Last evaluated: 2025-11-15. Review status: criteria provided, single submitter. Criteria: Invitae Variant Classification Sherloc (09022015). Collection method: clinical testing. Allele origin: germline.

Illumina Laboratory Services, Illumina
Classification: Uncertain significance for Leigh syndrome. Last evaluated: 2018-01-13. Review status: criteria provided, single submitter. Criteria: ICSL Variant Classification Criteria 13 December 2019. Collection method: clinical testing. Allele origin: germline.

Illumina Laboratory Services, Illumina
Classification: Uncertain significance for Mitochondrial complex IV deficiency, nuclear type 1. Last evaluated: 2018-01-13. Review status: criteria provided, single submitter. Criteria: ICSL Variant Classification Criteria 13 December 2019. Collection method: clinical testing. Allele origin: germline.